The following is an entry in ClinVar:

ClinVar aggregate classification (germline): Pathogenic (1 of 4 stars; one submission).

Submission:

Labcorp Genetics (formerly Invitae), Labcorp
Classification: Pathogenic. Last evaluated: 2023-08-29. Review status: criteria provided, single submitter. Criteria: Invitae Variant Classification Sherloc (09022015). Collection method: clinical testing. Allele origin: germline.
Comment: This variant is not present in population databases (gnomAD no frequency). For these reasons, this variant has been classified as Pathogenic. This variant has not been reported in the literature in individuals affected with TSFM-related conditions. This sequence change creates a premature translational stop signal (p.Thr125Argfs*5) in the TSFM gene. It is expected to result in an absent or disrupted protein product. Loss-of-function variants in TSFM are known to be pathogenic (PMID: 17033963, 20435138, 25037205, 27677415).

Literature cited by the submitters: PubMed 17033963; PubMed 20435138; PubMed 25037205; PubMed 27677415.

NM_005726.6(TSFM):c.374_375del (p.Thr125fs)

Gene: TSFM (Ts translation elongation factor, mitochondrial; plus strand). Cytogenetic location: 12q14.1.
Variant type: Deletion.
Coding change: c.374_375del on transcript NM_005726.6 (MANE Select); coding-DNA positions 374 to 375, 2 bases deleted (CA; older notation c.374_375delCA).
Protein change: p.Thr125fs; shifts the reading frame from threonine 125.
Molecular consequence: frameshift variant.
Genome position (GRCh38, 1-based): chr12:57,787,053-57,787,054, CA deleted; deleting any 2 consecutive bases within chr12:57,787,052-57,787,054 gives the same sequence; the c. name uses the placement nearest the transcript's 3' end. VCF-style (leftmost placement, unchanged base first): chr12-57787051-GAC-G. GRCh37 (hg19) VCF-style: chr12-58180834-GAC-G.
Other names: c.374_375del, p.Thr125fs (NM_001172695.2, NM_001172696.2, NM_001172697.2); short protein forms T125fs.
Identifiers: ClinVar variation 2755976 (VCV002755976.3), dbSNP rs2540950794, ClinGen allele CA2697559320.